The following is an entry in ClinVar:

NM_000548.5(TSC2):c.5068+2T>C

Gene: TSC2 (TSC complex subunit 2; plus strand). Cytogenetic location: 16p13.3.
Variant type: single nucleotide variant.
Coding change: c.5068+2T>C on transcript NM_000548.5 (MANE Select); the canonical splice donor site of the intron after coding-DNA position 5068, T replaced by C.
Molecular consequence: splice donor variant.
Genome position (GRCh38, 1-based): chr16:2,087,943, T>C. VCF-style: chr16-2087943-T-C. GRCh37 (hg19) VCF-style: chr16-2137944-T-C.
Other names: c.4408+2T>C (NM_001406681.1); c.4888+2T>C (NM_001406670.1); c.4759+2T>C (NM_001318827.2); c.4756+2T>C (NM_001406678.1); c.4399+2T>C (NM_001406682.1, NM_001406683.1); c.4396+2T>C (NM_001406684.1); c.4270+2T>C (NM_001406685.1, NM_001406686.1); c.4336+2T>C (NM_001318831.2); and 26 more.
Identifiers: ClinVar variation 449636 (VCV000449636.15), dbSNP rs397515152, ClinGen allele CA394311751.

ClinVar aggregate classification (germline): Pathogenic/Likely pathogenic. Review status: criteria provided, multiple submitters, no conflicts (2 of 4 stars). 5 submissions from 5 submitters: Pathogenic (4); Likely pathogenic (1). Last evaluated 2022-07-01.

Conditions:
Hereditary cancer-predisposing syndrome. Also called: Tumor predisposition; Hereditary Cancer Syndrome; Neoplastic Syndromes, Hereditary; Hereditary neoplastic syndrome. Identifiers: Orphanet 140162, MedGen C0027672, MeSH D009386, MONDO:0015356.
Tuberous sclerosis 2 (TSC2). Identifiers: Orphanet 805, MedGen C1860707, MONDO:0013199, OMIM 613254.

Submissions (5):

Ambry Genetics
Classification: Likely pathogenic for Hereditary cancer-predisposing syndrome. Last evaluated: 2022-07-01. Review status: criteria provided, single submitter. Criteria: Ambry Variant Classification Scheme 2023. Collection method: clinical testing. Allele origin: germline.
Comment: The c.5068+2T>C intronic variant results from a T to C substitution two nucleotides after coding exon 38 in the TSC2 gene. In silico splice site analysis predicts that this alteration will weaken the native splice donor site and may result in the creation or strengthening of a novel splice donor site. Alterations that disrupt the canonical splice site are expected to cause aberrant splicing, resulting in an abnormal protein or a transcript that is subject to nonsense-mediated mRNA decay; however, +2T>C alterations are capable of generating wild-type transcripts in some genomic contexts and should be interpreted with caution (Lin JH et al. Hum Mutat. 2019 10;40:1856-1873). This alteration has been observed in at least one individual with a personal and/or family history that is consistent with TSC2-related disease (Ambry internal data). Based on the majority of available evidence to date, this variant is likely to be pathogenic.

Labcorp Genetics (formerly Invitae), Labcorp
Classification: Pathogenic for Tuberous sclerosis 2. Last evaluated: 2022-03-23. Review status: criteria provided, single submitter. Criteria: Invitae Variant Classification Sherloc (09022015). Collection method: clinical testing. Allele origin: germline.
Comment: This sequence change affects a donor splice site in intron 39 of the TSC2 gene. It is expected to disrupt RNA splicing. Variants that disrupt the donor or acceptor splice site typically lead to a loss of protein function (PMID: 16199547), and loss-of-function variants in TSC2 are known to be pathogenic (PMID: 10205261, 17304050). This variant is not present in population databases (gnomAD no frequency). Disruption of this splice site has been observed in individual(s) with tuberous sclerosis complex (Invitae). In at least one individual the variant was observed to be de novo. ClinVar contains an entry for this variant (Variation ID: 449636). Algorithms developed to predict the effect of sequence changes on RNA splicing suggest that this variant may disrupt the consensus splice site. For these reasons, this variant has been classified as Pathogenic.

Genome-Nilou Lab
Classification: Pathogenic for Tuberous sclerosis 2. Last evaluated: 2021-11-07. Review status: criteria provided, single submitter. Criteria: ACMG Guidelines, 2015. Collection method: clinical testing. Allele origin: germline. Affected: no.

Mendelics
Classification: Pathogenic for Tuberous sclerosis 2. Last evaluated: 2019-05-28. Review status: criteria provided, single submitter. Criteria: Mendelics Assertion Criteria 2017. Collection method: clinical testing. Allele origin: unknown.

GeneDx
Classification: Pathogenic. Last evaluated: 2015-12-23. Review status: criteria provided, single submitter. Criteria: GeneDx Variant Classification (06012015). Collection method: clinical testing. Allele origin: germline. Affected: yes.
Comment: The c.5068+2 T>C splice site variant in the TSC2 gene destroys the canonical splice donor site in intron 2. It is predicted to cause abnormal gene splicing, either leading to an abnormal message that is subject to nonsense-mediated mRNA decay, or to an abnormal protein product if the message is used for protein translation. It was not observed in approximately 6,500 individuals of European and African American ancestry in the NHLBI Exome Sequencing Project, indicating it is not a common benign variant in these populations. Many other splice variants have been reported in the Human Gene Mutation Database in association with tuberous sclerosis (Stenson et al., 2014).

Literature cited by the submitters: PubMed 16199547 (cited by Labcorp Genetics (formerly Invitae), Labcorp); PubMed 10205261 (cited by Labcorp Genetics (formerly Invitae), Labcorp); PubMed 17304050 (cited by Labcorp Genetics (formerly Invitae), Labcorp).